The following is an entry in ClinVar:

ClinVar aggregate classification (germline): Likely benign. Review status: criteria provided, multiple submitters, no conflicts (2 of 4 stars). 3 submissions from 3 submitters: Likely benign (2). 1 of the submissions does not count toward it. Last evaluated 2024-06-04.

Conditions:
Charcot-Marie-Tooth disease axonal type 2O. Also called: Charcot-Marie-Tooth disease, axonal, type 20; CHARCOT-MARIE-TOOTH NEUROPATHY, AXONAL, TYPE 2O; CHARCOT-MARIE-TOOTH DISEASE, AXONAL, AUTOSOMAL DOMINANT, TYPE 2O; Charcot-Marie-Tooth Neuropathy Type 2O. Identifiers: Orphanet 284232, MedGen C3280220, MONDO:0013644, OMIM 614228.
DYNC1H1-related disorder. Also called: DYNC1H1-related condition; DYNC1H1-related disorders. Identifiers: MedGen CN381529.

Allele frequency attached by ClinVar (database versions not stated): gnomAD 0.00001; gnomAD exomes 0.00005; ExAC 0.00020.
gnomAD v4.1: 89 of 1,614,128 alleles (0.0055%); highest among the groups gnomAD compares: Non-Finnish European, 0.0054%; no homozygotes.

Submissions (3):

Labcorp Genetics (formerly Invitae), Labcorp
Classification: Likely benign for Charcot-Marie-Tooth disease axonal type 2O. Last evaluated: 2024-06-04. Review status: criteria provided, single submitter. Criteria: Invitae Variant Classification Sherloc (09022015). Collection method: clinical testing. Allele origin: germline.

Blueprint Genetics
Classification: Likely benign. Last evaluated: 2024-01-04. Review status: criteria provided, single submitter. Criteria: ACMG Guidelines, 2015. Collection method: clinical testing. Allele origin: germline.

PreventionGenetics, part of Exact Sciences
Classification: Likely benign for DYNC1H1-related condition. Last evaluated: 2019-05-02. Review status: no assertion criteria provided. Collection method: clinical testing. Allele origin: germline. Not counted in ClinVar's aggregate classification.
Comment: This variant is classified as likely benign based on ACMG/AMP sequence variant interpretation guidelines (Richards et al. 2015 PMID: 25741868, with internal and published modifications).

NM_001376.5(DYNC1H1):c.819G>A (p.Gln273=)

Gene: DYNC1H1 (dynein cytoplasmic 1 heavy chain 1; plus strand). Cytogenetic location: 14q32.31.
Variant type: single nucleotide variant.
Coding change: c.819G>A on transcript NM_001376.5 (MANE Select); coding-DNA position 819, G replaced by A.
Protein change: p.Gln273=; no amino-acid change (glutamine 273 retained).
Molecular consequence: synonymous variant.
Genome position (GRCh38, 1-based): chr14:101,980,408, G>A. VCF-style: chr14-101980408-G-A. GRCh37 (hg19) VCF-style: chr14-102446745-G-A.
Identifiers: ClinVar variation 2082308 (VCV002082308.7), dbSNP rs772012633, ClinGen allele CA7351591.